The following is an entry in ClinVar:

NM_000719.7(CACNA1C):c.4941C>G (p.Asn1647Lys)

Genes: CACNA1C (calcium voltage-gated channel subunit alpha1 C; plus strand), CACNA1C-AS1 (CACNA1C antisense RNA 1; minus strand). Cytogenetic location: 12p13.33.
Variant type: single nucleotide variant.
Coding change: c.4941C>G on transcript NM_000719.7 (MANE Select); coding-DNA position 4941, C replaced by G.
Protein change: p.Asn1647Lys; replaces asparagine 1647 with lysine.
Molecular consequence: missense variant. On other transcripts: non-coding transcript variant (1).
Genome position (GRCh38, 1-based): chr12:2,677,206, C>G. VCF-style: chr12-2677206-C-G. GRCh37 (hg19) VCF-style: chr12-2786372-C-G.
Other names: c.5085C>G, p.Asn1695Lys (NM_001129827.2, NM_199460.4); c.5064C>G, p.Asn1688Lys (NM_001129829.2); c.4941C>G, p.Asn1647Lys (NM_001129830.3, NM_001129840.2, NM_001129841.2 and 4 more transcripts); c.5025C>G, p.Asn1675Lys (NM_001129831.2); c.5001C>G, p.Asn1667Lys (NM_001129832.2); c.4998C>G, p.Asn1666Lys (NM_001129833.2, NM_001129834.2, NM_001129835.2); c.4992C>G, p.Asn1664Lys (NM_001129836.2); c.4965C>G, p.Asn1655Lys (NM_001129837.2, NM_001129838.2); and 3 more; short protein forms N1636K, N1644K, N1647K, N1653K, N1655K, N1664K, N1666K, N1667K.
Identifiers: ClinVar variation 1010173 (VCV001010173.10), dbSNP rs773832706, ClinGen allele CA383378141.

ClinVar aggregate classification (germline): Uncertain significance (1 of 4 stars; one submission).

Conditions:
Long QT syndrome (LQTS). Identifiers: MedGen C0023976, MeSH D008133, MONDO:0002442. Disease mechanism: loss of function. Inheritance: Various modes of inheritance.

gnomAD v4.1: 1 of 1,613,666 alleles (0.000062%); highest among the groups gnomAD compares: Non-Finnish European, 0.000085%; no homozygotes.

Submission:

Labcorp Genetics (formerly Invitae), Labcorp
Classification: Uncertain significance for Long QT syndrome. Last evaluated: 2020-02-14. Review status: criteria provided, single submitter. Criteria: Invitae Variant Classification Sherloc (09022015). Collection method: clinical testing. Allele origin: germline.
Comment: In summary, the available evidence is currently insufficient to determine the role of this variant in disease. Therefore, it has been classified as a Variant of Uncertain Significance. This sequence change replaces asparagine with lysine at codon 1647 of the CACNA1C protein (p.Asn1647Lys). The asparagine residue is moderately conserved and there is a moderate physicochemical difference between asparagine and lysine. This variant is not present in population databases (ExAC no frequency). This variant has not been reported in the literature in individuals with CACNA1C-related conditions. Algorithms developed to predict the effect of missense changes on protein structure and function (SIFT, PolyPhen-2, Align-GVGD) all suggest that this variant is likely to be tolerated, but these predictions have not been confirmed by published functional studies and their clinical significance is uncertain.